The following is an entry in ClinVar:

ClinVar aggregate classification (germline): Pathogenic/Likely pathogenic. Review status: criteria provided, multiple submitters, no conflicts (2 of 4 stars). 3 submissions from 3 submitters: Pathogenic (1); Likely pathogenic (2). Last evaluated 2024-05-27.

Conditions:
Neurofibromatosis, type 1 (NF1). Also called: VON RECKLINGHAUSEN DISEASE; Neurofibromatosis, type I; NEUROFIBROMATOSIS, TYPE I, SOMATIC; Peripheral type neurofibromatosis. Identifiers: Orphanet 636, MedGen C0027831, MONDO:0018975, OMIM 162200. Disease mechanism: loss of function.

Submissions (3):

Labcorp Genetics (formerly Invitae), Labcorp
Classification: Pathogenic for Neurofibromatosis, type 1. Last evaluated: 2024-05-27. Review status: criteria provided, single submitter. Criteria: Invitae Variant Classification Sherloc (09022015). Collection method: clinical testing. Allele origin: germline.
Comment: This sequence change replaces alanine, which is neutral and non-polar, with proline, which is neutral and non-polar, at codon 138 of the NF1 protein (p.Ala138Pro). This variant is not present in population databases (gnomAD no frequency). This missense change has been observed in individual(s) with neurofibromatosis type 1 (PMID: 27322474). In at least one individual the variant was observed to be de novo. ClinVar contains an entry for this variant (Variation ID: 651033). Advanced modeling of protein sequence and biophysical properties (such as structural, functional, and spatial information, amino acid conservation, physicochemical variation, residue mobility, and thermodynamic stability) performed at Invitae indicates that this missense variant is expected to disrupt NF1 protein function with a positive predictive value of 95%. For these reasons, this variant has been classified as Pathogenic.

GeneDx
Classification: Likely pathogenic. Last evaluated: 2023-12-03. Review status: criteria provided, single submitter. Criteria: GeneDx Variant Classification Process June 2021. Collection method: clinical testing. Allele origin: germline. Affected: yes.
Comment: Identified in patients with clinical features of neurofibromatosis type 1 referred for genetic testing at GeneDx and in published literature (PMID: 27322474, 33877690); In silico analysis supports that this missense variant has a deleterious effect on protein structure/function; Not observed at significant frequency in large population cohorts (gnomAD); This variant is associated with the following publications: (PMID: 27322474, 33877690)

Genome-Nilou Lab
Classification: Likely pathogenic for Neurofibromatosis, type 1. Last evaluated: 2022-03-15. Review status: criteria provided, single submitter. Criteria: ACMG Guidelines, 2015. Collection method: clinical testing. Allele origin: germline. Affected: no.

Literature cited by the submitters: PubMed 27322474 (cited by Labcorp Genetics (formerly Invitae), Labcorp).

NM_001042492.3(NF1):c.412G>C (p.Ala138Pro)

Gene: NF1 (neurofibromin 1; plus strand). Cytogenetic location: 17q11.2.
Variant type: single nucleotide variant.
Coding change: c.412G>C on transcript NM_001042492.3 (MANE Select); coding-DNA position 412, G replaced by C.
Protein change: p.Ala138Pro; replaces alanine 138 with proline.
Molecular consequence: missense variant.
Genome position (GRCh38, 1-based): chr17:31,163,309, G>C. VCF-style: chr17-31163309-G-C. GRCh37 (hg19) VCF-style: chr17-29490327-G-C.
Other names: c.412G>C, p.Ala138Pro (NM_000267.4, NM_001128147.3); short protein forms A138P.
Identifiers: ClinVar variation 651033 (VCV000651033.11), dbSNP rs1597635936, ClinGen allele CA398981894.
Genomic context (GRCh38, chr17:31,163,309, plus strand): 5'-TGCCATTTTCTTCACACCTGTCGTGAAGGAAACCAGCATGCAGCTGAACTTCGGAATTCT[G>C]CCTCTGGGGTTTTATTTTCTCTCAGCTGCAACAACTTCAATGCAGTCTTTAGTCGCATTT-3'
Protein context (NP_001035957.1, residues 128-148): NQHAAELRNS[Ala138Pro]SGVLFSLSCN